The following is an entry in ClinVar:

NM_018051.5(DYNC2I1):c.818A>G (p.Gln273Arg)

Gene: DYNC2I1 (dynein 2 intermediate chain 1; plus strand). Cytogenetic location: 7q36.3.
Variant type: single nucleotide variant.
Coding change: c.818A>G on transcript NM_018051.5 (MANE Select); coding-DNA position 818, A replaced by G.
Protein change: p.Gln273Arg; replaces glutamine 273 with arginine.
Molecular consequence: missense variant. On other transcripts: 5 prime UTR variant (3).
Genome position (GRCh38, 1-based): chr7:158,879,928, A>G. VCF-style: chr7-158879928-A-G. GRCh37 (hg19) VCF-style: chr7-158672619-A-G.
Other names: c.680A>G, p.Gln227Arg (NM_001350914.2); c.301A>G, p.Lys101Glu (NM_001350915.2); c.-541A>G (NM_001350916.2); c.-549A>G (NM_001350917.2); c.-668A>G (NM_001350918.2); short protein forms Q273R, Q227R, K101E.
Identifiers: ClinVar variation 516219 (VCV000516219.13), dbSNP rs2788478, ClinGen allele CA4594392.

ClinVar aggregate classification (germline): Benign. Review status: criteria provided, multiple submitters, no conflicts (2 of 4 stars). 5 submissions from 5 submitters: Benign (5). Last evaluated 2026-02-04.

Conditions:
Short-rib thoracic dysplasia 8 with or without polydactyly (SRTD8). Also called: SHORT-RIB THORACIC DYSPLASIA 8 WITH POLYDACTYLY. Identifiers: Orphanet 93271, MedGen C3809691, MONDO:0014214, OMIM 615503.

Allele frequency attached by ClinVar (database versions not stated): gnomAD exomes 0.39124 and 0.43909; ExAC 0.44104; ESP Exome Variant Server 0.45703; TOPMed 0.49034; 1000 Genomes Project 0.57368; 1000 Genomes Project 30x 0.57698.
gnomAD v4.1: 644,738 of 1,610,718 alleles (40%); highest among the groups gnomAD compares: East Asian, 70%; 136,177 homozygotes.

Submissions (5):

Labcorp Genetics (formerly Invitae), Labcorp
Classification: Benign for Short-rib thoracic dysplasia 8 with or without polydactyly. Last evaluated: 2026-02-04. Review status: criteria provided, single submitter. Criteria: Invitae Variant Classification Sherloc (09022015). Collection method: clinical testing. Allele origin: germline.

Blueprint Genetics
Classification: Benign. Last evaluated: 2024-11-27. Review status: criteria provided, single submitter. Criteria: ACMG Guidelines, 2015. Collection method: clinical testing. Allele origin: germline.

Genome-Nilou Lab
Classification: Benign for Short-rib thoracic dysplasia 8 with or without polydactyly. Last evaluated: 2021-12-05. Review status: criteria provided, single submitter. Criteria: ACMG Guidelines, 2015. Collection method: clinical testing. Allele origin: germline. Affected: no.

GeneDx
Classification: Benign. Last evaluated: 2017-09-13. Review status: criteria provided, single submitter. Criteria: GeneDx Variant Classification (06012015). Collection method: clinical testing. Allele origin: germline. Affected: yes.
Comment: This variant is considered likely benign or benign based on one or more of the following criteria: it is a conservative change, it occurs at a poorly conserved position in the protein, it is predicted to be benign by multiple in silico algorithms, and/or has population frequency not consistent with disease.

Breakthrough Genomics
Classification: Benign. Review status: criteria provided, single submitter. Criteria: ACMG Guidelines, 2015. Collection method: not provided. Allele origin: germline. Inheritance: Autosomal recessive inheritance. Affected: yes.